The following is an entry in ClinVar:

ClinVar aggregate classification (germline): Pathogenic/Likely pathogenic. Review status: criteria provided, multiple submitters, no conflicts (2 of 4 stars). 5 submissions from 5 submitters: Pathogenic (2); Likely pathogenic (2). 1 of the submissions does not count toward it. Last evaluated 2025-05-29.

Conditions:
Metachromatic leukodystrophy (MLD). Also called: ARSA DEFICIENCY; CEREBROSIDE SULFATASE DEFICIENCY; METACHROMATIC LEUKOENCEPHALOPATHY; SULFATIDE LIPIDOSIS; Cerebral sclerosis diffuse metachromatic form; Arylsulfatase A Deficiency. Identifiers: Orphanet 512, MedGen C0023522, MONDO:0018868, OMIM 250100.

Allele frequency attached by ClinVar (database versions not stated): gnomAD exomes below 0.00001 and 0.00001; TOPMed below 0.00001.
gnomAD v4.1: 11 of 1,612,906 alleles (0.00068%); highest among the groups gnomAD compares: Non-Finnish European, 0.00093%; no homozygotes.

Submissions (5):

Natera, Inc.
Classification: Likely pathogenic for Metachromatic leukodystrophy. Last evaluated: 2025-05-29. Review status: criteria provided, single submitter. Criteria: Natera Variant Classification Schema (03/2026). Collection method: clinical testing. Allele origin: germline.
Comment: The c.1108-3C>G variant in ARSA is an intronic variant located outside the canonical splice sites. This variant is rare in the general population with a frequency below the threshold expected for the associated phenotype(s). This variant has been observed in one or more individuals affected with the associated recessive disease, as either homozygous or compound heterozygous with a second variant (PMID: 38775997, 31922725, 29966168, 26462614, 18693274). Functional studies show that this variant may disrupt protein function (PMID: 18693274). Computational prediction algorithms indicate this variant is likely to affect gene or protein function. Given the available evidence, this variant is classified as Likely Pathogenic.

3billion
Classification: Likely pathogenic for Metachromatic leukodystrophy. Last evaluated: 2024-12-13. Review status: criteria provided, single submitter. Criteria: ACMG Guidelines, 2015. Collection method: clinical testing. Allele origin: germline. Affected: yes.
Comment: The variant is observed at an extremely low frequency in the gnomAD v4.1.0 dataset (total allele frequency: <0.001%). Predicted Consequence/Location: Intron variant: previously reported to alter splicing (PMID: 18693274). Intron variant: previously reported to alter splicing (PMID: 18693274). Therefore, this variant is classified as Likely pathogenic according to the recommendation of ACMG/AMP guideline.

Labcorp Genetics (formerly Invitae), Labcorp
Classification: Pathogenic for Metachromatic leukodystrophy. Last evaluated: 2024-08-17. Review status: criteria provided, single submitter. Criteria: Invitae Variant Classification Sherloc (09022015). Collection method: clinical testing. Allele origin: germline.
Comment: This sequence change falls in intron 6 of the ARSA gene. It does not directly change the encoded amino acid sequence of the ARSA protein. RNA analysis indicates that this variant induces altered splicing and may result in an absent or altered protein product. This variant is present in population databases (no rsID available, gnomAD 0.0009%). This variant has been observed in individual(s) with metachromatic leukodystrophy (PMID: 18693274, 26462614, 31922725). This variant is also known as c.1102-3C>G. ClinVar contains an entry for this variant (Variation ID: 552329). Variants that disrupt the consensus splice site are a relatively common cause of aberrant splicing (PMID: 17576681, 9536098). Studies have shown that this variant results in skipping of exon 7 and activation of a cryptic splice site, and produces a non-functional protein and/or introduces a premature termination codon (Invitae). For these reasons, this variant has been classified as Pathogenic.

Fulgent Genetics
Classification: Pathogenic for Metachromatic leukodystrophy. Last evaluated: 2024-05-23. Review status: criteria provided, single submitter. Criteria: ACMG Guidelines, 2015. Collection method: clinical testing. Allele origin: germline.

Counsyl
Classification: Uncertain significance for Metachromatic leukodystrophy. Last evaluated: 2017-06-08. Review status: no assertion criteria provided. Collection method: clinical testing. Allele origin: unknown. Not counted in ClinVar's aggregate classification.

Literature cited by the submitters: PubMed 38775997 (cited by Natera, Inc.); PubMed 31922725 (cited by Natera, Inc. and Labcorp Genetics (formerly Invitae), Labcorp); PubMed 29966168 (cited by Natera, Inc.); PubMed 26462614 (cited by Natera, Inc. and Labcorp Genetics (formerly Invitae), Labcorp); PubMed 18693274 (cited by 4 submitters); PubMed 17576681 (cited by Labcorp Genetics (formerly Invitae), Labcorp); PubMed 9536098 (cited by Labcorp Genetics (formerly Invitae), Labcorp).

NM_000487.6(ARSA):c.1108-3C>G

Gene: ARSA (arylsulfatase A; minus strand). Cytogenetic location: 22q13.33.
Variant type: single nucleotide variant.
Coding change: c.1108-3C>G on transcript NM_000487.6 (MANE Select); 3 bases into the intron before coding-DNA position 1108, C replaced by G.
Molecular consequence: intron variant.
Genome position (GRCh38, 1-based): chr22:50,625,684, G>C on the plus strand (C>G on the coding strand, the complement: ARSA is on the minus strand). VCF-style: chr22-50625684-G-C. GRCh37 (hg19) VCF-style: chr22-51064112-G-C.
Other names: c.850-3C>G (NM_001362782.2, NM_001085428.3); c.1108-3C>G (NM_001085427.3, NM_001085426.3, NM_001085425.3).
Identifiers: ClinVar variation 552329 (VCV000552329.12), dbSNP rs1001100248, ClinGen allele CA325531271.
Genomic context (GRCh38, chr22:50,625,684, plus strand): 5'-AAACCCCACGGACCTCGTCTGGGTAGGACGGGTAGAAGAAGAGAGACTGCCGAGGGCTCT[G>C]GGGGCAGAGTCAGGGGTCACGGGGCGGGGCAGGCCCCAAGCACTGCACATACCTGGGGCT-3'